The following is an entry in ClinVar:

ClinVar aggregate classification (germline): Pathogenic (1 of 4 stars; one submission).

Conditions:
Lynch syndrome 5 (LYNCH5). Also called: Colorectal cancer, hereditary nonpolyposis, type 5; Hereditary non-polyposis colorectal cancer, type 5. Identifiers: Orphanet 144, MedGen C1833477, MONDO:0013710, OMIM 614350. Disease mechanism: loss of function.

Submission:

Myriad Genetics, Inc.
Classification: Pathogenic for Lynch syndrome 5. Last evaluated: 2023-08-11. Review status: criteria provided, single submitter. Criteria: Myriad Autosomal Dominant, Autosomal Recessive and X-Linked Classification Criteria (2023). Collection method: clinical testing. Allele origin: unknown.
Comment: This variant is considered pathogenic. This variant creates a termination codon and is predicted to result in premature protein truncation.

NM_000179.3(MSH6):c.1263_1311dup (p.Met438Ter)

Gene: MSH6 (mutS homolog 6; plus strand). Cytogenetic location: 2p16.3.
Variant type: Duplication.
Coding change: c.1263_1311dup on transcript NM_000179.3 (MANE Select); coding-DNA positions 1263 to 1311, 49 bases duplicated.
Protein change: p.Met438Ter; replaces methionine 438 with a stop codon.
Molecular consequence: nonsense. On other transcripts: non-coding transcript variant (4), intron variant (1).
Genome position (GRCh38, 1-based): chr2:47,799,246-47,799,294, 49 bases duplicated. GRCh37 (hg19): chr2:48,026,385-48,026,433.
Other names: c.873_921dup, p.Met308Ter (NM_001281492.2); c.357_405dup, p.Met136Ter (NM_001281493.2, NM_001281494.2, NM_001406811.1 and 6 more transcripts); c.1359_1407dup, p.Met470Ter (NM_001406795.1, NM_001406802.1); c.1263_1311dup, p.Met438Ter (NM_001406796.1, NM_001406798.1, NM_001406800.1 and 4 more transcripts); c.966_1014dup, p.Met339Ter (NM_001406797.1, NM_001406801.1, NM_001406805.1 and 10 more transcripts); c.738_786dup, p.Met263Ter (NM_001406799.1, NM_001406806.1, NM_001406807.1); c.1185_1233dup, p.Met412Ter (NM_001406804.1); c.1269_1317dup, p.Met440Ter (NM_001406813.1); and 2 more; short protein forms M136*, M263*, M308*, M339*, M382*, M412*, M438*, M440*.
Identifiers: ClinVar variation 2673683 (VCV002673683.1), dbSNP rs2530599962, ClinGen allele CA2695200562.
Genomic context (GRCh38, chr2:47,799,245, plus strand): 5'-ATTTCCTCAATTCTTGTACTCCTGGGATGAGGAAGTGGTGGCAGATTAAGTCTCAGAACT[T>TTGATCTTGTCATCTGTTACAAGGTGGGGAAATTTTATGAGCTGTACCAC]TGATCTTGTCATCTGTTACAAGGTGGGGAAATTTTATGAGCTGTACCACATGGATGCTCT-3'